The following is an entry in ClinVar:

NM_000245.4(MET):c.871T>C (p.Tyr291His)

Gene: MET (MET proto-oncogene, receptor tyrosine kinase; plus strand). Cytogenetic location: 7q31.2.
Variant type: single nucleotide variant.
Coding change: c.871T>C on transcript NM_000245.4 (MANE Select); coding-DNA position 871, T replaced by C.
Protein change: p.Tyr291His; replaces tyrosine 291 with histidine.
Molecular consequence: missense variant. On other transcripts: intron variant (1).
Genome position (GRCh38, 1-based): chr7:116,699,955, T>C. VCF-style: chr7-116699955-T-C. GRCh37 (hg19) VCF-style: chr7-116340009-T-C.
Other names: c.871T>C, p.Tyr291His (NM_001127500.3, NM_001324401.3); c.-91+27378T>C (NM_001324402.2); short protein forms Y291H.
Identifiers: ClinVar variation 1764446 (VCV001764446.2), dbSNP rs2116599973, ClinGen allele CA368970034.
Genomic context (GRCh38, chr7:116,699,955, plus strand): 5'-GCTCAGACTTTTCACACAAGAATAATCAGGTTCTGTTCCATAAACTCTGGATTGCATTCC[T>C]ACATGGAAATGCCTCTGGAGTGTATTCTCACAGAAAAGAGAAAAAAGAGATCCACAAAGA-3'
Protein context (NP_000236.2, residues 281-301): FCSINSGLHS[Tyr291His]MEMPLECILT

ClinVar aggregate classification (germline): Uncertain significance (1 of 4 stars; one submission).

Conditions:
Hereditary cancer-predisposing syndrome. Also called: Neoplastic Syndromes, Hereditary; Tumor predisposition; Hereditary Cancer Syndrome; Hereditary neoplastic syndrome. Identifiers: Orphanet 140162, MedGen C0027672, MeSH D009386, MONDO:0015356.

Submission:

Ambry Genetics
Classification: Uncertain significance for Hereditary cancer-predisposing syndrome. Last evaluated: 2022-05-26. Review status: criteria provided, single submitter. Criteria: Ambry Variant Classification Scheme 2023. Collection method: clinical testing. Allele origin: germline.
Comment: The p.Y291H variant (also known as c.871T>C), located in coding exon 1 of the MET gene, results from a T to C substitution at nucleotide position 871. The tyrosine at codon 291 is replaced by histidine, an amino acid with similar properties. This amino acid position is conserved. In addition, this alteration is predicted to be deleterious by in silico analysis. Since supporting evidence is limited at this time, the clinical significance of this alteration remains unclear.